The following is an entry in ClinVar:

ClinVar aggregate classification (germline): Uncertain significance (1 of 4 stars; one submission).

Conditions:
Hereditary cancer-predisposing syndrome. Also called: Hereditary neoplastic syndrome; Hereditary Cancer Syndrome; Neoplastic Syndromes, Hereditary; Tumor predisposition. Identifiers: Orphanet 140162, MedGen C0027672, MeSH D009386, MONDO:0015356.

Submission:

Color Diagnostics, LLC DBA Color Health
Classification: Uncertain significance for Hereditary cancer-predisposing syndrome. Last evaluated: 2024-03-07. Review status: criteria provided, single submitter. Criteria: ACMG Guidelines, 2015. Collection method: clinical testing. Allele origin: germline.
Comment: This missense variant replaces isoleucine with methionine at codon 339 of the ATM protein. Computational prediction suggests that this variant may not impact protein structure and function (internally defined REVEL score threshold <= 0.5, PMID: 27666373). To our knowledge, functional studies have not been reported for this variant. This variant has not been reported in individuals affected with hereditary cancer in the literature. This variant has not been identified in the general population by the Genome Aggregation Database (gnomAD). The available evidence is insufficient to determine the role of this variant in disease conclusively. Therefore, this variant is classified as a Variant of Uncertain Significance.

NM_000051.4(ATM):c.1017T>G (p.Ile339Met)

Gene: ATM (ATM serine/threonine kinase; plus strand). Cytogenetic location: 11q22.3.
Variant type: single nucleotide variant.
Coding change: c.1017T>G on transcript NM_000051.4 (MANE Select); coding-DNA position 1017, T replaced by G.
Protein change: p.Ile339Met; replaces isoleucine 339 with methionine.
Molecular consequence: missense variant.
Genome position (GRCh38, 1-based): chr11:108,247,079, T>G. VCF-style: chr11-108247079-T-G. GRCh37 (hg19) VCF-style: chr11-108117806-T-G.
Other names: c.1017T>G, p.Ile339Met (NM_001351834.2); short protein forms I339M.
Identifiers: ClinVar variation 2774038 (VCV002774038.2), dbSNP rs993225847, ClinGen allele CA228386453.